The following is an entry in ClinVar:

NM_001365536.1(SCN9A):c.1937C>G (p.Pro646Arg)

Genes: SCN1A-AS1 (SCN1A and SCN9A antisense RNA 1; plus strand), SCN9A (sodium voltage-gated channel alpha subunit 9; minus strand). Cytogenetic location: 2q24.3.
Variant type: single nucleotide variant.
Coding change: c.1937C>G on transcript NM_001365536.1 (MANE Select); coding-DNA position 1937, C replaced by G.
Protein change: p.Pro646Arg; replaces proline 646 with arginine.
Molecular consequence: missense variant.
Genome position (GRCh38, 1-based): chr2:166,284,490, G>C on the plus strand (C>G on the coding strand, the complement: SCN9A is on the minus strand). VCF-style: chr2-166284490-G-C. GRCh37 (hg19) VCF-style: chr2-167141000-G-C.
Other names: c.1937C>G, p.Pro646Arg (NM_002977.4); short protein forms P646R.
Identifiers: ClinVar variation 1307392 (VCV001307392.2), dbSNP rs2106482812, ClinGen allele CA349082640.

ClinVar aggregate classification (germline): Uncertain significance (1 of 4 stars; one submission).

Submission:

GeneDx
Classification: Uncertain significance. Last evaluated: 2019-07-24. Review status: criteria provided, single submitter. Criteria: GeneDx Variant Classification Process June 2021. Collection method: clinical testing. Allele origin: germline. Affected: yes.
Comment: Not observed in large population cohorts (Lek et al., 2016); In silico analysis, which includes protein predictors and evolutionary conservation, supports a deleterious effect; Has not been previously published as pathogenic or benign to our knowledge